The following is an entry in ClinVar:

NM_001035.3(RYR2):c.1709-17_1709-14del

Gene: RYR2 (ryanodine receptor 2; plus strand). Cytogenetic location: 1q43.
Variant type: Microsatellite.
Coding change: c.1709-17_1709-14del on transcript NM_001035.3 (MANE Select); 17 bases into the intron before coding-DNA position 1709 through 14 bases into the intron before coding-DNA position 1709, 4 bases deleted (CTTT; older notation c.1709-17_1709-14delCTTT).
Molecular consequence: intron variant.
Genome position (GRCh38, 1-based): chr1:237,491,789-237,491,792, CTTT deleted; deleting any 4 consecutive bases within chr1:237,491,784-237,491,792 gives the same sequence; the c. name uses the placement nearest the transcript's 3' end. VCF-style (leftmost placement, unchanged base first): chr1-237491783-CTCTT-C. GRCh37 (hg19) VCF-style: chr1-237655083-CTCTT-C.
Other names: c.1709-17_1709-14delCTTT (NM_001035.2).
Identifiers: ClinVar variation 420400 (VCV000420400.5), dbSNP rs1064794455, ClinGen allele CA16617100.
Genomic context (GRCh38, chr1:237,491,783, plus strand): 5'-CCTATGTAGAAAAAGGAAGACACTGGTCATTGTACACCAATTAATCATGTGTTTTTTTTC[CTCTT>C]TCTTTGTTTTATCTTTAGGCATTCTGGAAGTTTTACACTGTGTTTTAGTAGAAAGTCCAG-3'

ClinVar aggregate classification (germline): Likely benign. Review status: criteria provided, multiple submitters, no conflicts (2 of 4 stars). 2 submissions from 2 submitters: Likely benign (2). Last evaluated 2021-12-28.

Conditions:
Catecholaminergic polymorphic ventricular tachycardia 1. Also called: RYR2-Related Catecholaminergic Polymorphic Ventricular Tachycardia; VENTRICULAR TACHYCARDIA, STRESS-INDUCED POLYMORPHIC 1; VENTRICULAR TACHYCARDIA, CATECHOLAMINERGIC POLYMORPHIC, 1, WITH OR WITHOUT ATRIAL DYSFUNCTION AND/OR DILATED CARDIOMYOPATHY. Identifiers: Orphanet 3286, MedGen C1631597, MONDO:0011484, OMIM 604772.

Submissions (2):

Labcorp Genetics (formerly Invitae), Labcorp
Classification: Likely benign for Catecholaminergic polymorphic ventricular tachycardia 1. Last evaluated: 2021-12-28. Review status: criteria provided, single submitter. Criteria: Invitae Variant Classification Sherloc (09022015). Collection method: clinical testing. Allele origin: germline.

GeneDx
Classification: Likely benign. Last evaluated: 2016-01-28. Review status: criteria provided, single submitter. Criteria: GeneDx Variant Classification (06012015). Collection method: clinical testing. Allele origin: germline. Affected: yes.
Comment: This variant is considered likely benign or benign based on one or more of the following criteria: it is a conservative change, it occurs at a poorly conserved position in the protein, it is predicted to be benign by multiple in silico algorithms, and/or has population frequency not consistent with disease.